The following is an entry in ClinVar:

ClinVar aggregate classification (germline): Uncertain significance (1 of 4 stars; one submission).

Conditions:
Malignant hyperthermia, susceptibility to, 1 (MHS1). Also called: Anesthesia related hyperthermia; Malignant hyperpyrexia; Fulminating hyperpyrexia; Pharmacogenic myopathy; RYR1-Related Malignant Hyperthermia Susceptibility; Malignant hyperthermia suceptibility 1. Identifiers: Orphanet 423, MedGen C2930980, MONDO:0007783, OMIM 145600.

Submission:

All of Us Research Program, National Institutes of Health
Classification: Uncertain significance for Malignant hyperthermia, susceptibility to, 1. Last evaluated: 2024-05-14. Review status: criteria provided, single submitter. Criteria: ACMG Guidelines, 2015. Collection method: clinical testing. Allele origin: germline. Inheritance: Autosomal dominant inheritance. Observed: 1 variant allele, 1 heterozygote.
Comment: This missense variant replaces valine with leucine at codon 1447 of the RYR1 protein. Computational prediction suggests that this variant may not impact protein structure and function (internally defined REVEL score threshold <= 0.5, PMID: 27666373). To our knowledge, functional studies have not been reported for this variant. This variant has not been reported in individuals affected with RYR1-related disorders in the literature. This variant has not been identified in the general population by the Genome Aggregation Database (gnomAD). The available evidence is insufficient to determine the role of this variant in disease conclusively. Therefore, this variant is classified as a Variant of Uncertain Significance.

This study involves interpretation of variants in research participants for the purpose of population health screening. Participant phenotype was not available at the time of variant classification. Additional details can be found in publication PMID: 35346344, PMCID: PMC8962531

NM_000540.3(RYR1):c.4339G>T (p.Val1447Leu)

Gene: RYR1 (ryanodine receptor 1; plus strand). Cytogenetic location: 19q13.2.
Variant type: single nucleotide variant.
Coding change: c.4339G>T on transcript NM_000540.3 (MANE Select); coding-DNA position 4339, G replaced by T.
Protein change: p.Val1447Leu; replaces valine 1447 with leucine.
Molecular consequence: missense variant.
Genome position (GRCh38, 1-based): chr19:38,477,755, G>T. VCF-style: chr19-38477755-G-T. GRCh37 (hg19) VCF-style: chr19-38968395-G-T.
Other names: c.4339G>T, p.Val1447Leu (NM_001042723.2); short protein forms V1447L.
Identifiers: ClinVar variation 3387707 (VCV003387707.1).
Genomic context (GRCh38, chr19:38,477,755, plus strand): 5'-TCCTTGTGTCACCAGTACTATTACTCCGTGAGGGTCTTTGCTGGACAGGAGCCCAGCTGC[G>T]TGTGGGCGGGCTGGGTCACCCCTGACTACCATCAGCACGACATGAGCTTCGACCTCAGCA-3'
Protein context (NP_000531.2, residues 1437-1457): RVFAGQEPSC[Val1447Leu]WAGWVTPDYH